The following is an entry in ClinVar:

ClinVar aggregate classification (germline): Likely benign. Review status: criteria provided, multiple submitters, no conflicts (2 of 4 stars). 2 submissions from 2 submitters: Likely benign (2). Last evaluated 2026-05-07.

Conditions:
PKD1L1-related disorder. Also called: PKD1L1-related condition.

Allele frequency attached by ClinVar (database versions not stated): gnomAD 0.00001; TOPMed 0.00001.
gnomAD v4.1: 45 of 1,597,246 alleles (0.0028%); highest among the groups gnomAD compares: Non-Finnish European, 0.0037%; no homozygotes.

Submissions (2):

PreventionGenetics, part of Exact Sciences
Classification: Likely benign for PKD1L1-related condition. Last evaluated: 2026-05-07. Review status: criteria provided, single submitter. Criteria: ACMG Guidelines, 2015. Collection method: clinical testing. Allele origin: germline.
Comment: This variant is classified as likely benign based on ACMG/AMP sequence variant interpretation guidelines (Richards et al. 2015 PMID: 25741868, with internal and published modifications).

Labcorp Genetics (formerly Invitae), Labcorp
Classification: Likely benign. Last evaluated: 2017-11-30. Review status: criteria provided, single submitter. Criteria: Invitae Variant Classification Sherloc (09022015). Collection method: clinical testing. Allele origin: germline.

NM_138295.5(PKD1L1):c.2837-7G>C

Gene: PKD1L1 (polycystin 1 like 1, transient receptor potential channel interacting; minus strand). Cytogenetic location: 7p12.3.
Variant type: single nucleotide variant.
Coding change: c.2837-7G>C on transcript NM_138295.5 (MANE Select); 7 bases into the intron before coding-DNA position 2837, G replaced by C.
Molecular consequence: intron variant.
Genome position (GRCh38, 1-based): chr7:47,886,061, C>G on the plus strand (G>C on the coding strand, the complement: PKD1L1 is on the minus strand). VCF-style: chr7-47886061-C-G. GRCh37 (hg19) VCF-style: chr7-47925659-C-G.
Identifiers: ClinVar variation 725590 (VCV000725590.4), dbSNP rs369890304, ClinGen allele CA4253605.